The following is an entry in ClinVar:

NM_002734.5(PRKAR1A):c.15dup (p.Thr6fs)

Gene: PRKAR1A (protein kinase cAMP-dependent type I regulatory subunit alpha; plus strand). Cytogenetic location: 17q24.2.
Variant type: Duplication.
Coding change: c.15dup on transcript NM_002734.5 (MANE Select); coding-DNA position 15, one base duplicated (T; older notation c.15dupT).
Protein change: p.Thr6fs; shifts the reading frame from threonine 6.
Molecular consequence: frameshift variant.
Genome position (GRCh38, 1-based): chr17:68,515,414, T duplicated. VCF-style (leftmost placement, unchanged base first): chr17-68515413-G-GT. GRCh37 (hg19) VCF-style: chr17-66511554-G-GT.
Other names: c.15dup, p.Thr6fs (NM_001276289.2, NM_001276290.1, NM_001278433.2 and 4 more transcripts); short protein forms T6fs.
Identifiers: ClinVar variation 424087 (VCV000424087.2), dbSNP rs1555811666, ClinGen allele CA16620588.

ClinVar aggregate classification (germline): Pathogenic (1 of 4 stars; one submission).

Submission:

GeneDx
Classification: Pathogenic. Last evaluated: 2017-03-14. Review status: criteria provided, single submitter. Criteria: GeneDx Variant Classification (06012015). Collection method: clinical testing. Allele origin: germline. Affected: yes.
Comment: The c.15dupT variant in the PRKAR1A gene has not been published as a pathogenic variant, nor has it been reported as a benign variant to our knowledge. This duplication causes a frameshift starting with codon Threonine 6, changes this amino acid to a Tyrosine residue and creates a premature Stop codon at position 5 of the new reading frame, denoted p.Thr6TyrfsX5. The c.15dupT variant is predicted to cause loss of normal protein function either through protein truncation or nonsense-mediated mRNA decay. Based on currently available evidence, we consider c.15dupT to be pathogenic.